The following is an entry in ClinVar:

NM_006019.4(TCIRG1):c.2383_2384del (p.Ala796fs)

Gene: TCIRG1 (T cell immune regulator 1, ATPase H+ transporting V0 subunit a3; plus strand). Cytogenetic location: 11q13.2.
Variant type: Microsatellite.
Coding change: c.2383_2384del on transcript NM_006019.4 (MANE Select); coding-DNA positions 2383 to 2384, 2 bases deleted (TC; older notation c.2383_2384delTC).
Protein change: p.Ala796fs; shifts the reading frame from alanine 796.
Molecular consequence: frameshift variant.
Genome position (GRCh38, 1-based): chr11:68,050,633-68,050,634, TC deleted; deleting any 2 consecutive bases within chr11:68,050,630-68,050,634 gives the same sequence; the c. name uses the placement nearest the transcript's 3' end. VCF-style (leftmost placement, unchanged base first): chr11-68050629-ACT-A. GRCh37 (hg19) VCF-style: chr11-67818096-ACT-A.
Other names: c.1489_1490del, p.Ala498fs (NM_001351059.2); c.1735_1736del, p.Ala580fs (NM_006053.4); short protein forms A498fs, A580fs, A796fs.
Identifiers: ClinVar variation 1447238 (VCV001447238.7), dbSNP rs1346704603, ClinGen allele CA600238544.
Genomic context (GRCh38, chr11:68,050,629, plus strand): 5'-GGTCCCCATCTTTGCCGCCTTTGCCGTGATGACCGTGGCTATCCTGCTGGTGATGGAGGG[ACT>A]CTCAGCCTTCCTGCACGCCCTGCGGCTGCACTGGTGAGCGACCACCCACTGGCCTGGGCT-3'

ClinVar aggregate classification (germline): Pathogenic. Review status: criteria provided, multiple submitters, no conflicts (2 of 4 stars). 2 submissions from 2 submitters: Pathogenic (2). Last evaluated 2024-07-19.

Conditions:
Autosomal recessive osteopetrosis 1. Also called: ALBERS-SCHONBERG DISEASE, AUTOSOMAL RECESSIVE; TCIRG1-Related Osteopetrosis; TCIRG1-Related Autosomal Recessive Osteopetrosis. Identifiers: Orphanet 667, MedGen C1850127, MONDO:0009815, OMIM 259700.

Submissions (2):

Labcorp Genetics (formerly Invitae), Labcorp
Classification: Pathogenic. Last evaluated: 2024-07-19. Review status: criteria provided, single submitter. Criteria: Invitae Variant Classification Sherloc (09022015). Collection method: clinical testing. Allele origin: germline.
Comment: This sequence change creates a premature translational stop signal (p.Ala796Leufs*34) in the TCIRG1 gene. While this is not anticipated to result in nonsense mediated decay, it is expected to disrupt the last 35 amino acid(s) of the TCIRG1 protein. This variant is present in population databases (no rsID available, gnomAD 0.003%). This premature translational stop signal has been observed in individual(s) with TCIRG1-related conditions (PMID: 30537558; Invitae). In at least one individual the data is consistent with being in trans (on the opposite chromosome) from a pathogenic variant. It has also been observed to segregate with disease in related individuals. This variant is also known as c.2380_2381delCT (p.Ala796fs*34). For these reasons, this variant has been classified as Pathogenic.

Baylor Genetics
Classification: Pathogenic for Autosomal recessive osteopetrosis 1. Last evaluated: 2023-02-23. Review status: criteria provided, single submitter. Criteria: ACMG Guidelines, 2015. Collection method: clinical testing. Allele origin: unknown.

Literature cited by the submitters: PubMed 30537558 (cited by Labcorp Genetics (formerly Invitae), Labcorp).